The following is an entry in ClinVar:

NM_001271938.2(MEGF8):c.1085G>T (p.Gly362Val)

Gene: MEGF8 (multiple EGF like domains 8; plus strand). Cytogenetic location: 19q13.2.
Variant type: single nucleotide variant.
Coding change: c.1085G>T on transcript NM_001271938.2 (MANE Select); coding-DNA position 1085, G replaced by T.
Protein change: p.Gly362Val; replaces glycine 362 with valine.
Molecular consequence: missense variant.
Genome position (GRCh38, 1-based): chr19:42,336,187, G>T. VCF-style: chr19-42336187-G-T. GRCh37 (hg19) VCF-style: chr19-42840339-G-T.
Other names: c.1085G>T, p.Gly362Val (NM_001410.3); c.1085G>T (NM_001410.2); short protein forms G362V.
Identifiers: ClinVar variation 2190967 (VCV002190967.5), dbSNP rs747480874, ClinGen allele CA9474337.

ClinVar aggregate classification (germline): Uncertain significance. Review status: criteria provided, multiple submitters, no conflicts (2 of 4 stars). 2 submissions from 2 submitters: Uncertain significance (2). Last evaluated 2022-04-07.

Conditions:
MEGF8-related Carpenter syndrome. Also called: Carpenter syndrome 2. Identifiers: Orphanet 65759, MedGen C3554247, MONDO:0013998, OMIM 614976.
Inborn genetic diseases. Identifiers: MedGen C0950123, MeSH D030342.

Allele frequency attached by ClinVar (database versions not stated): gnomAD 0.00005; TOPMed 0.00005; ExAC 0.00013; gnomAD exomes 0.00020.
gnomAD v4.1: 296 of 1,610,602 alleles (0.018%); highest among the groups gnomAD compares: Non-Finnish European, 0.024%; no homozygotes.

Submissions (2):

Labcorp Genetics (formerly Invitae), Labcorp
Classification: Uncertain significance for MEGF8-related Carpenter syndrome. Last evaluated: 2022-04-07. Review status: criteria provided, single submitter. Criteria: Invitae Variant Classification Sherloc (09022015). Collection method: clinical testing. Allele origin: germline.
Comment: Algorithms developed to predict the effect of missense changes on protein structure and function are either unavailable or do not agree on the potential impact of this missense change (SIFT: "Tolerated"; PolyPhen-2: "Possibly Damaging"; Align-GVGD: "Class C0"). This sequence change replaces glycine, which is neutral and non-polar, with valine, which is neutral and non-polar, at codon 362 of the MEGF8 protein (p.Gly362Val). This variant is present in population databases (rs747480874, gnomAD 0.02%). This variant has not been reported in the literature in individuals affected with MEGF8-related conditions. Algorithms developed to predict the effect of sequence changes on RNA splicing suggest that this variant may create or strengthen a splice site. In summary, the available evidence is currently insufficient to determine the role of this variant in disease. Therefore, it has been classified as a Variant of Uncertain Significance.

Ambry Genetics
Classification: Uncertain significance for Inborn genetic diseases. Last evaluated: 2021-07-21. Review status: criteria provided, single submitter. Criteria: Ambry Variant Classification Scheme 2023. Collection method: clinical testing. Allele origin: germline.